The following is an entry in ClinVar:

NM_172362.3(KCNH1):c.2414C>T (p.Thr805Ile)

Gene: KCNH1 (potassium voltage-gated channel subfamily H member 1; minus strand). Cytogenetic location: 1q32.2.
Variant type: single nucleotide variant.
Coding change: c.2414C>T on transcript NM_172362.3 (MANE Select); coding-DNA position 2414, C replaced by T.
Protein change: p.Thr805Ile; replaces threonine 805 with isoleucine.
Molecular consequence: missense variant.
Genome position (GRCh38, 1-based): chr1:210,683,837, G>A on the plus strand (C>T on the coding strand, the complement: KCNH1 is on the minus strand). VCF-style: chr1-210683837-G-A. GRCh37 (hg19) VCF-style: chr1-210857179-G-A.
Other names: c.2333C>T, p.Thr778Ile (NM_002238.4); c.2414C>T (NM_172362.2); short protein forms T805I, T778I.
Identifiers: ClinVar variation 2146180 (VCV002146180.28), dbSNP rs750264852, ClinGen allele CA1379671.

ClinVar aggregate classification (germline): Conflicting classifications of pathogenicity. Review status: criteria provided, conflicting classifications (1 of 4 stars). 3 submissions from 3 submitters: Uncertain significance (2); Likely benign (1). Last evaluated 2025-11-20.

Conditions:
Inborn genetic diseases. Identifiers: MedGen C0950123, MeSH D030342.

Allele frequency attached by ClinVar (database versions not stated): gnomAD 0.00001; gnomAD exomes 0.00001; ExAC 0.00002; TOPMed 0.00002.
gnomAD v4.1: 4 of 1,613,958 alleles (0.00025%); highest among the groups gnomAD compares: Admixed American, 0.0017%; no homozygotes.

Submissions (3):

Ambry Genetics
Classification: Uncertain significance for Inborn genetic diseases. Last evaluated: 2025-11-20. Review status: criteria provided, single submitter. Criteria: Ambry Variant Classification Scheme 2023. Collection method: clinical testing. Allele origin: germline.

Labcorp Genetics (formerly Invitae), Labcorp
Classification: Likely benign. Last evaluated: 2025-04-26. Review status: criteria provided, single submitter. Criteria: Invitae Variant Classification Sherloc (09022015). Collection method: clinical testing. Allele origin: germline.

CeGaT Center for Human Genetics Tuebingen
Classification: Uncertain significance. Last evaluated: 2023-01-01. Review status: criteria provided, single submitter. Criteria: CeGaT Center For Human Genetics Tuebingen Variant Classification Criteria Version 2. Collection method: clinical testing. Allele origin: germline. Affected: yes. Observed: 1 variant allele.
Comment: KCNH1: PM2, PP2